The following is an entry in ClinVar:

NM_000368.5(TSC1):c.622A>G (p.Ser208Gly)

Gene: TSC1 (TSC complex subunit 1; minus strand). Cytogenetic location: 9q34.13.
Variant type: single nucleotide variant.
Coding change: c.622A>G on transcript NM_000368.5 (MANE Select); coding-DNA position 622, A replaced by G.
Protein change: p.Ser208Gly; replaces serine 208 with glycine.
Molecular consequence: missense variant.
Genome position (GRCh38, 1-based): chr9:132,921,860, T>C on the plus strand (A>G on the coding strand, the complement: TSC1 is on the minus strand). VCF-style: chr9-132921860-T-C. GRCh37 (hg19) VCF-style: chr9-135797247-T-C.
Other names: c.622A>G, p.Ser208Gly (NM_001406593.1, NM_001406594.1, NM_001406595.1 and 16 more transcripts); c.469A>G, p.Ser157Gly (NM_001406610.1, NM_001406611.1, NM_001406612.1 and 2 more transcripts); c.259A>G, p.Ser87Gly (NM_001406614.1, NM_001406619.1, NM_001406620.1 and 10 more transcripts); c.-256A>G (NM_001406626.1, NM_001406627.1, NM_001406628.1); c.-398A>G (NM_001406629.1); c.-472A>G (NM_001406630.1); short protein forms S157G, S208G, S87G.
Identifiers: ClinVar variation 2430291 (VCV002430291.4), dbSNP rs778671811, ClinGen allele CA375372414.

ClinVar aggregate classification (germline): Uncertain significance. Review status: criteria provided, multiple submitters, no conflicts (2 of 4 stars). 3 submissions from 3 submitters: Uncertain significance (2). 1 of the submissions does not count toward it. Last evaluated 2025-03-26.

Conditions:
Tuberous sclerosis syndrome (TSC). Also called: Tuberous Sclerosis Complex; Tuberous sclerosis. Identifiers: Orphanet 805, MedGen C0041341, MONDO:0001734.
Tuberous sclerosis 1 (TSC1). Identifiers: Orphanet 805, MedGen C1854465, MONDO:0008612, OMIM 191100.
Keratoconus (KC). Identifiers: MedGen C0022578, MeSH D007640, MONDO:0015486, HP:0000563.

gnomAD v4.1: 2 of 1,614,188 alleles (0.00012%); highest among the groups gnomAD compares: South Asian, 0.0011%; no homozygotes.

Submissions (3):

Labcorp Genetics (formerly Invitae), Labcorp
Classification: Uncertain significance for Tuberous sclerosis 1. Last evaluated: 2025-03-26. Review status: criteria provided, single submitter. Criteria: Invitae Variant Classification Sherloc (09022015). Collection method: clinical testing. Allele origin: germline.
Comment: This sequence change replaces serine, which is neutral and polar, with glycine, which is neutral and non-polar, at codon 208 of the TSC1 protein (p.Ser208Gly). This variant is not present in population databases (gnomAD no frequency). This variant has not been reported in the literature in individuals affected with TSC1-related conditions. ClinVar contains an entry for this variant (Variation ID: 2430291). Invitae Evidence Modeling of protein sequence and biophysical properties (such as structural, functional, and spatial information, amino acid conservation, physicochemical variation, residue mobility, and thermodynamic stability) indicates that this missense variant is not expected to disrupt TSC1 protein function with a negative predictive value of 95%. In summary, the available evidence is currently insufficient to determine the role of this variant in disease. Therefore, it has been classified as a Variant of Uncertain Significance.

All of Us Research Program, National Institutes of Health
Classification: Uncertain significance for Tuberous sclerosis syndrome. Last evaluated: 2023-08-15. Review status: criteria provided, single submitter. Criteria: ACMG Guidelines, 2015. Collection method: clinical testing. Allele origin: germline. Inheritance: Autosomal dominant inheritance. Observed: 1 variant allele, 1 heterozygote.
Comment: This study involves interpretation of variants in research participants for the purpose of population health screening. Participant phenotype was not available at the time of variant classification. Additional details can be found in publication PMID: 35346344, PMCID: PMC8962531

Refractive Surgery Department, Bright Eye Hospital
Classification: Likely pathogenic for Keratoconus. Last evaluated: 2023-02-25. Review status: no assertion criteria provided. Collection method: case-control. Allele origin: inherited. Inheritance: Autosomal dominant inheritance. Affected: yes. Observed: 2 variant alleles, 2 heterozygotes. Not counted in ClinVar's aggregate classification.
Comment: TSC is a disorder that causes hamartomas in multiple organs (e.g., brain, eyes, skin, kidneys). The pathogenesis of TSC involves changes in cellular proliferation and differentiation. Though rare, the co-existence of TSC and KC has been reported7-9 and a 4-base-pair deletion in TSC2 was identified.9 In the present investigation, mutation of g.135797247A>G (c.622A>G, p.Ser208Gly) located in exon 7 of TSC1 gene was detected. This mutation caused a conformational change in the wild-type protein and has not been previously reported in patients with or without TSC. The residue has been considered a distinct functional and/or structural sequence of the TSC1 gene. Moreover, the variant was predicted as probably damaging and highly conserved among species. In the family in which the novel mutation was detected, TSC symptoms were not found in any family member.